The following is an entry in ClinVar:

NM_002473.6(MYH9):c.*81C>T

Gene: MYH9 (myosin heavy chain 9; minus strand). Cytogenetic location: 22q12.3.
Variant type: single nucleotide variant.
Coding change: c.*81C>T on transcript NM_002473.6 (MANE Select); 81 bases downstream of the stop codon, C replaced by T.
Molecular consequence: 3 prime UTR variant.
Genome position (GRCh38, 1-based): chr22:36,282,587, G>A on the plus strand (C>T on the coding strand, the complement: MYH9 is on the minus strand). VCF-style: chr22-36282587-G-A. GRCh37 (hg19) VCF-style: chr22-36678633-G-A.
Identifiers: ClinVar variation 341488 (VCV000341488.38), dbSNP rs56134611, ClinGen allele CA10651256.

ClinVar aggregate classification (germline): Benign/Likely benign. Review status: criteria provided, multiple submitters, no conflicts (2 of 4 stars). 4 submissions from 3 submitters: Benign (1); Likely benign (3). Last evaluated 2023-05-01.

Conditions:
Autosomal dominant nonsyndromic hearing loss 17. Also called: Deafness, autosomal dominant 17; Autosomal dominant nonsyndromic deafness 17. Identifiers: Orphanet 90635, MedGen C1863659, MONDO:0011350, OMIM 603622.
MYH9-related disorder. Identifiers: MedGen C1854520.

Allele frequency attached by ClinVar (database versions not stated): 1000 Genomes Project 0.00120; 1000 Genomes Project 30x 0.00125; TOPMed 0.00283; gnomAD 0.00536 and 0.00569.
gnomAD v4.1: 6,734 of 1,277,640 alleles (0.53%); highest among the groups gnomAD compares: Non-Finnish European, 0.51%; 61 homozygotes.

Submissions (4):

CeGaT Center for Human Genetics Tuebingen
Classification: Likely benign. Last evaluated: 2023-05-01. Review status: criteria provided, single submitter. Criteria: CeGaT Center For Human Genetics Tuebingen Variant Classification Criteria Version 2. Collection method: clinical testing. Allele origin: germline. Affected: yes. Observed: 7 variant alleles.
Comment: MYH9: BS2

GeneDx
Classification: Likely benign. Last evaluated: 2018-07-05. Review status: criteria provided, single submitter. Criteria: GeneDx Variant Classification Process June 2021. Collection method: clinical testing. Allele origin: germline. Affected: yes.

Illumina Laboratory Services, Illumina
Classification: Benign for MYH9-related disorder. Last evaluated: 2018-01-13. Review status: criteria provided, single submitter. Criteria: ICSL Variant Classification Criteria 13 December 2019. Collection method: clinical testing. Allele origin: germline.
Comment: This variant was observed in the ICSL laboratory as part of a predisposition screen in an ostensibly healthy population. It had not been previously curated by ICSL or reported in the Human Gene Mutation Database (HGMD: prior to June 1st, 2018), and was therefore a candidate for classification through an automated scoring system. Utilizing variant allele frequency, disease prevalence and penetrance estimates, and inheritance mode, an automated score was calculated to assess if this variant is too frequent to cause the disease. Based on the score and internal cut-off values, a variant classified as benign is not then subjected to further curation. The score for this variant resulted in a classification of benign for this disease.

Illumina Laboratory Services, Illumina
Classification: Likely benign for Autosomal dominant nonsyndromic hearing loss 17. Last evaluated: 2018-01-13. Review status: criteria provided, single submitter. Criteria: ICSL Variant Classification Criteria 13 December 2019. Collection method: clinical testing. Allele origin: germline.
Comment: This variant was observed in the ICSL laboratory as part of a predisposition screen in an ostensibly healthy population. It had not been previously curated by ICSL or reported in the Human Gene Mutation Database (HGMD: prior to June 1st, 2018), and was therefore a candidate for classification through an automated scoring system. Utilizing variant allele frequency, disease prevalence and penetrance estimates, and inheritance mode, an automated score was calculated to assess if this variant is too frequent to cause the disease. Based on the score and internal cut-off values, a variant classified as likely benign is not then subjected to further curation. The score for this variant resulted in a classification of likely benign for this disease.